The following is an entry in ClinVar:

ClinVar aggregate classification (germline): Conflicting classifications of pathogenicity. Review status: criteria provided, conflicting classifications (1 of 4 stars). 3 submissions from 3 submitters: Likely pathogenic (2); Uncertain significance (1). Last evaluated 2023-08-04.

Conditions:
Cardioencephalomyopathy, fatal infantile, due to cytochrome c oxidase deficiency 2 (MC4DN6). Also called: MITOCHONDRIAL COMPLEX IV DEFICIENCY, NUCLEAR TYPE 6. Identifiers: Orphanet 1561, MedGen C3554534, MONDO:0014051, OMIM 615119.

Allele frequency attached by ClinVar (database versions not stated): gnomAD 0.00001; TOPMed 0.00001; gnomAD exomes 0.00002.
gnomAD v4.1: 31 of 1,613,912 alleles (0.0019%); highest among the groups gnomAD compares: Non-Finnish European, 0.0025%; no homozygotes.

Submissions (3):

Department of Pathology and Laboratory Medicine, Sinai Health System
Classification: Likely pathogenic for Cardioencephalomyopathy, fatal infantile, due to cytochrome c oxidase deficiency 2. Last evaluated: 2023-08-04. Review status: criteria provided, single submitter. Criteria: ACMG Guidelines, 2015. Collection method: research. Allele origin: germline.

Labcorp Genetics (formerly Invitae), Labcorp
Classification: Likely pathogenic. Last evaluated: 2023-07-22. Review status: criteria provided, single submitter. Criteria: Invitae Variant Classification Sherloc (09022015). Collection method: clinical testing. Allele origin: germline.
Comment: In summary, the currently available evidence indicates that the variant is pathogenic, but additional data are needed to prove that conclusively. Therefore, this variant has been classified as Likely Pathogenic. Algorithms developed to predict the effect of sequence changes on RNA splicing suggest that this variant may disrupt the consensus splice site. This variant has not been reported in the literature in individuals affected with COX15-related conditions. This variant is present in population databases (no rsID available, gnomAD 0.002%). This sequence change affects an acceptor splice site in intron 1 of the COX15 gene. It is expected to disrupt RNA splicing. Variants that disrupt the donor or acceptor splice site typically lead to a loss of protein function (PMID: 16199547), and loss-of-function variants in COX15 are known to be pathogenic (PMID: 15863660, 21412973).

Blueprint Genetics
Classification: Uncertain significance. Last evaluated: 2021-10-06. Review status: criteria provided, single submitter. Criteria: ACMG Guidelines, 2015. Collection method: clinical testing. Allele origin: germline.

Literature cited by the submitters: PubMed 16199547 (cited by Labcorp Genetics (formerly Invitae), Labcorp); PubMed 15863660 (cited by Labcorp Genetics (formerly Invitae), Labcorp); PubMed 21412973 (cited by Labcorp Genetics (formerly Invitae), Labcorp).

NM_078470.6(COX15):c.91-1G>C

Gene: COX15 (cytochrome c oxidase assembly factor COX15; minus strand). Cytogenetic location: 10q24.2.
Variant type: single nucleotide variant.
Coding change: c.91-1G>C on transcript NM_078470.6 (MANE Select); the canonical splice acceptor site of the intron before coding-DNA position 91, G replaced by C.
Molecular consequence: splice acceptor variant.
Genome position (GRCh38, 1-based): chr10:99,729,735, C>G on the plus strand (G>C on the coding strand, the complement: COX15 is on the minus strand). VCF-style: chr10-99729735-C-G. GRCh37 (hg19) VCF-style: chr10-101489492-C-G.
Other names: c.91-1G>C (NM_001320974.2, NM_001372026.1, NM_001372028.1 and 5 more transcripts); c.-364-1G>C (NM_001320976.2).
Identifiers: ClinVar variation 2990601 (VCV002990601.5), dbSNP rs1409285901, ClinGen allele CA378090407.